The following is an entry in ClinVar:

ClinVar aggregate classification (germline): Conflicting classifications of pathogenicity. Review status: criteria provided, conflicting classifications (1 of 4 stars). 2 submissions from 2 submitters: Uncertain significance (1); Likely benign (1). Last evaluated 2025-12-26.

Conditions:
Hypercholesterolemia, autosomal dominant, type B (FHCL2). Also called: APOB-Related Familial Hypercholesterolemia, Autosomal Dominant; Familial Hypercholesterolemia Type B; APOLIPOPROTEIN B-100, FAMILIAL DEFECTIVE; APOLIPOPROTEIN B-100, FAMILIAL LIGAND-DEFECTIVE; HYPERCHOLESTEROLEMIA, FAMILIAL, DUE TO LIGAND-DEFECTIVE APOLIPOPROTEIN B; Hyperlipoproteinemia Type IIb. Identifiers: MedGen C1704417, MONDO:0007751, OMIM 144010.
Familial hypobetalipoproteinemia 1. Also called: Hypobetalipoproteinemia, normotriglyceridemic; Acanthocytosis with hypobetalipoproteinemia; APOB-Related Familial Hypobetalipoproteinemia. Identifiers: MedGen C4551990, MONDO:0014252, OMIM 615558.
Cardiovascular phenotype. Identifiers: MedGen CN230736.

Allele frequency attached by ClinVar (database versions not stated): TOPMed below 0.00001; gnomAD 0.00001.
gnomAD v4.1: 1 of 1,613,914 alleles (0.000062%); highest among the groups gnomAD compares: Admixed American, 0.0017%; no homozygotes.

Submissions (2):

Ambry Genetics
Classification: Uncertain significance for Cardiovascular phenotype. Last evaluated: 2025-12-26. Review status: criteria provided, single submitter. Criteria: Ambry Variant Classification Scheme 2023. Collection method: clinical testing. Allele origin: germline.
Comment: The p.F3613L variant (also known as c.10839C>G), located in coding exon 26 of the APOB gene, results from a C to G substitution at nucleotide position 10839. The phenylalanine at codon 3613 is replaced by leucine, an amino acid with highly similar properties. This amino acid position is conserved. In addition, this alteration is predicted to be tolerated by in silico analysis. Based on the available evidence, the clinical significance of this variant remains unclear.

Labcorp Genetics (formerly Invitae), Labcorp
Classification: Likely benign for Familial hypobetalipoproteinemia 1; Hypercholesterolemia, autosomal dominant, type B. Last evaluated: 2024-09-05. Review status: criteria provided, single submitter. Criteria: Invitae Variant Classification Sherloc (09022015). Collection method: clinical testing. Allele origin: germline.

NM_000384.3(APOB):c.10839C>G (p.Phe3613Leu)

Gene: APOB (apolipoprotein B; minus strand). Cytogenetic location: 2p24.1.
Variant type: single nucleotide variant.
Coding change: c.10839C>G on transcript NM_000384.3 (MANE Select); coding-DNA position 10839, C replaced by G.
Protein change: p.Phe3613Leu; replaces phenylalanine 3613 with leucine.
Molecular consequence: missense variant.
Genome position (GRCh38, 1-based): chr2:21,006,029, G>C on the plus strand (C>G on the coding strand, the complement: APOB is on the minus strand). VCF-style: chr2-21006029-G-C. GRCh37 (hg19) VCF-style: chr2-21228901-G-C.
Other names: c.10839C>G (NM_000384.2); short protein forms F3613L.
Identifiers: ClinVar variation 2954263 (VCV002954263.4), dbSNP rs1409366202, ClinGen allele CA345984866.
Genomic context (GRCh38, chr2:21,006,029, plus strand): 5'-CCATCTGATCTTCTGGTTCTTAGTGTTAGCATTCAGGGCCACTTCCTGGCCAAGGTCAGG[G>C]AAATCATGGAAGGAACTGGGCTGACTTGCATGGACCTGAACAAGAGCTGACATTTGCCAT-3'
Protein context (NP_000375.3, residues 3603-3623): HASQPSSFHD[Phe3613Leu]PDLGQEVALN